The following is an entry in ClinVar:

NM_000238.4(KCNH2):c.2452T>C (p.Ser818Pro)

Gene: KCNH2 (potassium voltage-gated channel subfamily H member 2; minus strand). Cytogenetic location: 7q36.1.
Variant type: single nucleotide variant.
Coding change: c.2452T>C on transcript NM_000238.4 (MANE Select); coding-DNA position 2452, T replaced by C.
Protein change: p.Ser818Pro; replaces serine 818 with proline.
Molecular consequence: missense variant.
Genome position (GRCh38, 1-based): chr7:150,948,996, A>G on the plus strand (T>C on the coding strand, the complement: KCNH2 is on the minus strand). VCF-style: chr7-150948996-A-G. GRCh37 (hg19) VCF-style: chr7-150646084-A-G.
Other names: c.2452T>C (LRG_288t1); c.1432T>C, p.Ser478Pro (NM_172057.3); short protein forms S478P, S818P.
Identifiers: ClinVar variation 67400 (VCV000067400.1), dbSNP rs199473537, ClinGen allele CA006757.
Genomic context (GRCh38, chr7:150,948,996, plus strand): 5'-GGTCGTCCCGATGGATCTTGTGTAGGTCACAGTAGGTGAGGGCCCGCACATCCCCGTTCG[A>G]CTTGCCAGGCCTTGCATACAGGTTCAGAGGCTCCCCAAAGATGTCATTCTTCCCTGGAGG-3'
Protein context (NP_000229.1, residues 808-828): PLNLYARPGK[Ser818Pro]NGDVRALTYC

ClinVar aggregate classification (germline): not provided (0 of 4 stars; one submission).

Conditions:
Familial long QT syndrome (RWS). Also called: Congenital long QT syndrome; Romano-Ward syndrome; VENTRICULAR FIBRILLATION WITH PROLONGED QT INTERVAL. Identifiers: Orphanet 768, MedGen C1141890, MONDO:0019171.

Submission:

Cardiovascular Biomedical Research Unit, Royal Brompton & Harefield NHS Foundation Trust
No classification provided. Condition: Familial long QT syndrome. Review status: no classification provided. Collection method: literature only. Allele origin: germline.
Comment: This variant has been reported as associated with Long QT syndrome in the following publications (PMID:16414944). This is a literature report, and does not necessarily reflect the clinical interpretation of the Imperial College / Royal Brompton Cardiovascular Genetics laboratory.

Literature cited by the submitters: PubMed 16414944; PubMed 22581653.